The following is an entry in ClinVar:

ClinVar aggregate classification (germline): Uncertain significance. Review status: criteria provided, multiple submitters, no conflicts (2 of 4 stars). 3 submissions from 3 submitters: Uncertain significance (3). Last evaluated 2023-11-01.

Conditions:
Hereditary neutrophilia. Identifiers: Orphanet 279943, MedGen C0543669, MONDO:0008092, OMIM 162830.
Autosomal recessive severe congenital neutropenia due to CSF3R deficiency. Also called: Neutropenia, severe congenital, 7, autosomal recessive. Identifiers: Orphanet 420702, MedGen C4310764, MONDO:0014865, OMIM 617014.

Allele frequency attached by ClinVar (database versions not stated): gnomAD exomes 0.00001; TOPMed 0.00001.
gnomAD v4.1: 3 of 1,602,016 alleles (0.00019%); highest among the groups gnomAD compares: Non-Finnish European, 0.00026%; no homozygotes.

Submissions (3):

Labcorp Genetics (formerly Invitae), Labcorp
Classification: Uncertain significance for Autosomal recessive severe congenital neutropenia due to CSF3R deficiency. Last evaluated: 2023-11-01. Review status: criteria provided, single submitter. Criteria: Invitae Variant Classification Sherloc (09022015). Collection method: clinical testing. Allele origin: germline.
Comment: This sequence change replaces methionine, which is neutral and non-polar, with isoleucine, which is neutral and non-polar, at codon 231 of the CSF3R protein (p.Met231Ile). This variant is not present in population databases (gnomAD no frequency). This variant has not been reported in the literature in individuals affected with CSF3R-related conditions. ClinVar contains an entry for this variant (Variation ID: 1346799). Advanced modeling of protein sequence and biophysical properties (such as structural, functional, and spatial information, amino acid conservation, physicochemical variation, residue mobility, and thermodynamic stability) performed at Invitae indicates that this missense variant is not expected to disrupt CSF3R protein function with a negative predictive value of 80%. In summary, the available evidence is currently insufficient to determine the role of this variant in disease. Therefore, it has been classified as a Variant of Uncertain Significance.

Genetic Services Laboratory, University of Chicago
Classification: Uncertain significance. Last evaluated: 2023-02-09. Review status: criteria provided, single submitter. Criteria: ACMG Guidelines, 2015. Collection method: clinical testing. Allele origin: germline. Affected: no.
Comment: This sequence change, c.693G>A, in exon 7 results in an amino acid change, p.Met231Ile. This sequence change does not appear to have been previously described in individuals with CSF3R-related disorders and has also not been described in population databases such as ExAC and gnomAD (dbSNP rs1468169521). The p.Met231Ile change affects a poorly conserved amino acid residue located in a domain of the CSF3R protein that is known to be functional. The p.Met231Ile substitution appears to be benign using several in-silico pathogenicity prediction tools (SIFT, PolyPhen2, Align GVGD, REVEL). Due to insufficient evidences and the lack of functional studies, the clinical significance of the p.Met231Ile change remains unknown at this time.

Department of Pathology and Laboratory Medicine, Sinai Health System
Classification: Uncertain significance for Hereditary neutrophilia; Autosomal recessive severe congenital neutropenia due to CSF3R deficiency. Last evaluated: 2023-01-31. Review status: criteria provided, single submitter. Criteria: ACMG Guidelines, 2015. Collection method: research. Allele origin: germline.

NM_000760.4(CSF3R):c.693G>A (p.Met231Ile)

Gene: CSF3R (colony stimulating factor 3 receptor; minus strand). Cytogenetic location: 1p34.3.
Variant type: single nucleotide variant.
Coding change: c.693G>A on transcript NM_000760.4 (MANE Select); coding-DNA position 693, G replaced by A.
Protein change: p.Met231Ile; replaces methionine 231 with isoleucine.
Molecular consequence: missense variant.
Genome position (GRCh38, 1-based): chr1:36,472,667, C>T on the plus strand (G>A on the coding strand, the complement: CSF3R is on the minus strand). VCF-style: chr1-36472667-C-T. GRCh37 (hg19) VCF-style: chr1-36938268-C-T.
Other names: c.693G>A, p.Met231Ile (NM_156039.3, NM_172313.3); c.693G>A (NM_000760.3); short protein forms M231I.
Identifiers: ClinVar variation 1346799 (VCV001346799.9), dbSNP rs1468169521, ClinGen allele CA339423270.
Genomic context (GRCh38, chr1:36,472,667, plus strand): 5'-CAGCTGTAGGCAGCCTGCCTGGGGAGGGGCCGCTTCAGGGCTGGGGTCCATGGTCCGCAG[C>T]ATGGGGGGCTCCAGTTTCACTGCAAGGAGTGGGGCTGTCAGAAGGTCTCCCTATCCCACC-3'
Protein context (NP_000751.1, residues 221-241): PMDVVKLEPP[Met231Ile]LRTMDPSPEA